The following is an entry in ClinVar:

ClinVar aggregate classification (germline): Benign/Likely benign. Review status: criteria provided, multiple submitters, no conflicts (2 of 4 stars). 4 submissions from 4 submitters: Benign (1); Likely benign (2). 1 of the submissions does not count toward it. Last evaluated 2025-08-14.

Conditions:
Inborn genetic diseases. Identifiers: MedGen C0950123, MeSH D030342.
GSN-related disorder. Also called: GSN-related condition.
Finnish type amyloidosis. Also called: Amyloidosis, familial, Finnish type; Meretoja type amyloidosis; Amyloidosis 5; AMYLOID CRANIAL NEUROPATHY WITH LATTICE CORNEAL DYSTROPHY; AMYLOIDOSIS DUE TO MUTANT GELSOLIN; AMYLOIDOSIS, HEREDITARY SYSTEMIC 4, FINNISH TYPE. Identifiers: Orphanet 85448, MedGen C1622345, MONDO:0007097, OMIM 105120.

Allele frequency attached by ClinVar (database versions not stated): ExAC 0.00010; TOPMed 0.00029; ESP Exome Variant Server 0.00031; gnomAD 0.00031 and 0.00034.
gnomAD v4.1: 119 of 1,613,510 alleles (0.0074%); highest among the groups gnomAD compares: African/African-American, 0.12%; 1 homozygote.

Submissions (4):

Labcorp Genetics (formerly Invitae), Labcorp
Classification: Benign. Last evaluated: 2025-08-14. Review status: criteria provided, single submitter. Criteria: Invitae Variant Classification Sherloc (09022015). Collection method: clinical testing. Allele origin: germline.

Ambry Genetics
Classification: Likely benign for Inborn genetic diseases. Last evaluated: 2022-03-29. Review status: criteria provided, single submitter. Criteria: Ambry Variant Classification Scheme 2023. Collection method: clinical testing. Allele origin: germline.

Fulgent Genetics
Classification: Likely benign for Finnish type amyloidosis. Last evaluated: 2021-10-01. Review status: criteria provided, single submitter. Criteria: ACMG Guidelines, 2015. Collection method: clinical testing. Allele origin: unknown.

PreventionGenetics, part of Exact Sciences
Classification: Likely benign for GSN-related condition. Last evaluated: 2024-07-15. Review status: no assertion criteria provided. Collection method: clinical testing. Allele origin: germline. Not counted in ClinVar's aggregate classification.
Comment: This variant is classified as likely benign based on ACMG/AMP sequence variant interpretation guidelines (Richards et al. 2015 PMID: 25741868, with internal and published modifications).

NM_198252.3(GSN):c.197-4G>A

Gene: GSN (gelsolin; plus strand). Cytogenetic location: 9q33.2.
Variant type: single nucleotide variant.
Coding change: c.197-4G>A on transcript NM_198252.3 (MANE Select); 4 bases into the intron before coding-DNA position 197, G replaced by A.
Molecular consequence: intron variant.
Genome position (GRCh38, 1-based): chr9:121,302,907, G>A. VCF-style: chr9-121302907-G-A. GRCh37 (hg19) VCF-style: chr9-124065185-G-A.
Other names: c.197-4G>A (NM_001353054.1, NM_001353053.1, NM_001353060.2 and 10 more transcripts); c.230-4G>A (NM_001353064.2, NM_001353066.2, NM_001353073.2 and 13 more transcripts); c.305-4G>A (NM_001127663.2); c.269-4G>A (NM_001353076.2); c.-458-4G>A (NM_001353078.2); c.248-4G>A (NM_001258029.2); c.221-4G>A (NM_001258030.2); c.350-4G>A (NM_000177.5).
Identifiers: ClinVar variation 1538771 (VCV001538771.12), dbSNP rs375172023, ClinGen allele CA5220800.
Genomic context (GRCh38, chr9:121,302,907, plus strand): 5'-CTCTTCCTCAGGGGTCTGGGATACTTCTGGAAAGCCAGGCTCATATTGCTCTGATGTCCC[G>A]TAGGCAATGAGTGCAGCCAGGATGAGAGCGGGGCGGCCGCCATCTTTACCGTGCAGCTGG-3'